The following is an entry in ClinVar:

ClinVar aggregate classification (germline): Uncertain significance. Review status: criteria provided, multiple submitters, no conflicts (2 of 4 stars). 5 submissions from 5 submitters: Uncertain significance (5). Last evaluated 2025-09-24.

Conditions:
Cardiovascular phenotype. Identifiers: MedGen CN230736.
Sitosterolemia (STSL). Also called: PHYTOSTEROLEMIA. Identifiers: Orphanet 2882, MedGen C0342907, MONDO:0008863.

Allele frequency attached by ClinVar (database versions not stated): ExAC 0.00002; TOPMed below 0.00001.
gnomAD v4.1: 17 of 1,614,070 alleles (0.0011%); highest among the groups gnomAD compares: South Asian, 0.0066%; no homozygotes.

Submissions (5):

Ambry Genetics
Classification: Uncertain significance for Cardiovascular phenotype. Last evaluated: 2025-09-24. Review status: criteria provided, single submitter. Criteria: Ambry Variant Classification Scheme 2023. Collection method: clinical testing. Allele origin: germline.

GeneDx
Classification: Uncertain significance. Last evaluated: 2025-05-20. Review status: criteria provided, single submitter. Criteria: GeneDx Variant Classification Process June 2021. Collection method: clinical testing. Allele origin: germline. Affected: yes.
Comment: Not observed at significant frequency in large population cohorts (gnomAD); In silico analysis supports that this missense variant has a deleterious effect on protein structure/function; This variant is associated with the following publications: (PMID: 25151024, 32041611)

Mayo Clinic Laboratories, Mayo Clinic
Classification: Uncertain significance. Last evaluated: 2024-06-05. Review status: criteria provided, single submitter. Criteria: ACMG Guidelines, 2015. Collection method: clinical testing. Allele origin: germline. Observed: 2 variant alleles.
Comment: PM1_supporting, PM2_moderate

Labcorp Genetics (formerly Invitae), Labcorp
Classification: Uncertain significance for Sitosterolemia. Last evaluated: 2024-04-09. Review status: criteria provided, single submitter. Criteria: Invitae Variant Classification Sherloc (09022015). Collection method: clinical testing. Allele origin: germline.
Comment: This sequence change replaces arginine, which is basic and polar, with cysteine, which is neutral and slightly polar, at codon 199 of the ABCG5 protein (p.Arg199Cys). This variant is present in population databases (rs376129056, gnomAD 0.006%). This variant has not been reported in the literature in individuals affected with ABCG5-related conditions. ClinVar contains an entry for this variant (Variation ID: 502169). An algorithm developed to predict the effect of missense changes on protein structure and function (PolyPhen-2) suggests that this variant is likely to be disruptive. In summary, the available evidence is currently insufficient to determine the role of this variant in disease. Therefore, it has been classified as a Variant of Uncertain Significance.

Eurofins Ntd Llc (ga)
Classification: Uncertain significance. Last evaluated: 2017-05-23. Review status: criteria provided, single submitter. Criteria: EGL Classification Definitions 2015. Collection method: clinical testing. Allele origin: germline. Observed: 1 variant allele, 1 heterozygote.

Literature cited by the submitters: PubMed 32041611 (cited by Mayo Clinic Laboratories, Mayo Clinic).

NM_022436.3(ABCG5):c.595C>T (p.Arg199Cys)

Genes: ABCG5 (ATP binding cassette subfamily G member 5; minus strand), DYNC2LI1 (dynein cytoplasmic 2 light intermediate chain 1; plus strand). Cytogenetic location: 2p21.
Variant type: single nucleotide variant.
Coding change: c.595C>T on transcript NM_022436.3 (MANE Select); coding-DNA position 595, C replaced by T.
Protein change: p.Arg199Cys; replaces arginine 199 with cysteine.
Molecular consequence: missense variant. On other transcripts: 3 prime UTR variant (2).
Genome position (GRCh38, 1-based): chr2:43,828,022, G>A on the plus strand (C>T on the coding strand, the complement: ABCG5 is on the minus strand). VCF-style: chr2-43828022-G-A. GRCh37 (hg19) VCF-style: chr2-44055161-G-A.
Other names: p.Arg199Cys; c.*652G>A (NM_001348912.2, NM_001348913.2); c.595C>T (NM_022436.2); short protein forms R199C.
Identifiers: ClinVar variation 502169 (VCV000502169.10), dbSNP rs376129056, ClinGen allele CA1636598.